The following is an entry in ClinVar:

ClinVar aggregate classification (germline): Pathogenic. Review status: criteria provided, single submitter (1 of 4 stars). 2 submissions from 2 submitters: Pathogenic (1). 1 of the submissions does not count toward it. Last evaluated 2023-06-17.

Conditions:
UBR1-related disorder. Also called: UBR1-related condition.

Allele frequency attached by ClinVar (database versions not stated): gnomAD exomes below 0.00001; TOPMed 0.00001.
gnomAD v4.1: 2 of 1,613,966 alleles (0.00012%); highest among the groups gnomAD compares: African/African-American, 0.0013%; no homozygotes.

Submissions (2):

Labcorp Genetics (formerly Invitae), Labcorp
Classification: Pathogenic. Last evaluated: 2023-06-17. Review status: criteria provided, single submitter. Criteria: Invitae Variant Classification Sherloc (09022015). Collection method: clinical testing. Allele origin: germline.
Comment: For these reasons, this variant has been classified as Pathogenic. This variant has not been reported in the literature in individuals affected with UBR1-related conditions. This variant is not present in population databases (gnomAD no frequency). This sequence change creates a premature translational stop signal (p.Gln462*) in the UBR1 gene. It is expected to result in an absent or disrupted protein product. Loss-of-function variants in UBR1 are known to be pathogenic (PMID: 24599544).

PreventionGenetics, part of Exact Sciences
Classification: Likely pathogenic for UBR1-related condition. Last evaluated: 2024-06-01. Review status: no assertion criteria provided. Collection method: clinical testing. Allele origin: germline. Not counted in ClinVar's aggregate classification.
Comment: The UBR1 c.1384C>T variant is predicted to result in premature protein termination (p.Gln462*). To our knowledge, this variant has not been reported in the literature or in a large population database, indicating this variant is rare. Nonsense variants in UBR1 are expected to be pathogenic. This variant is interpreted as likely pathogenic.

Literature cited by the submitters: PubMed 24599544 (cited by Labcorp Genetics (formerly Invitae), Labcorp).

NM_174916.3(UBR1):c.1384C>T (p.Gln462Ter)

Gene: UBR1 (ubiquitin protein ligase E3 component n-recognin 1; minus strand). Cytogenetic location: 15q15.2.
Variant type: single nucleotide variant.
Coding change: c.1384C>T on transcript NM_174916.3 (MANE Select); coding-DNA position 1384, C replaced by T.
Protein change: p.Gln462Ter; replaces glutamine 462 with a stop codon.
Molecular consequence: nonsense.
Genome position (GRCh38, 1-based): chr15:43,054,797, G>A on the plus strand (C>T on the coding strand, the complement: UBR1 is on the minus strand). VCF-style: chr15-43054797-G-A. GRCh37 (hg19) VCF-style: chr15-43346995-G-A.
Other names: c.1384C>T (NM_174916.2); short protein forms Q462*.
Identifiers: ClinVar variation 2876365 (VCV002876365.4), dbSNP rs2033596870, ClinGen allele CA392072217.